The following is an entry in ClinVar:

NM_194277.3(FRMD7):c.1426A>G (p.Thr476Ala)

Gene: FRMD7 (FERM domain containing 7; minus strand). Cytogenetic location: Xq26.2.
Variant type: single nucleotide variant.
Coding change: c.1426A>G on transcript NM_194277.3 (MANE Select); coding-DNA position 1426, A replaced by G.
Protein change: p.Thr476Ala; replaces threonine 476 with alanine.
Molecular consequence: missense variant.
Genome position (GRCh38, 1-based): chrX:132,078,591, T>C on the plus strand (A>G on the coding strand, the complement: FRMD7 is on the minus strand). VCF-style: chrX-132078591-T-C. GRCh37 (hg19) VCF-style: chrX-131212619-T-C.
Other names: c.1381A>G, p.Thr461Ala (NM_001306193.2); short protein forms T461A, T476A.
Identifiers: ClinVar variation 857823 (VCV000857823.10), dbSNP rs1927700904, ClinGen allele CA414679107.

ClinVar aggregate classification (germline): Uncertain significance (1 of 4 stars; one submission).

Allele frequency attached by ClinVar (database versions not stated): TOPMed below 0.00001; gnomAD 0.00001.
gnomAD v4.1: 1 of 1,209,769 alleles (0.000083%); highest among the groups gnomAD compares: Admixed American, 0.0022%; no homozygotes.

Submission:

Labcorp Genetics (formerly Invitae), Labcorp
Classification: Uncertain significance. Last evaluated: 2021-01-15. Review status: criteria provided, single submitter. Criteria: Invitae Variant Classification Sherloc (09022015). Collection method: clinical testing. Allele origin: germline.
Comment: This sequence change replaces threonine with alanine at codon 476 of the FRMD7 protein (p.Thr476Ala). The threonine residue is moderately conserved and there is a small physicochemical difference between threonine and alanine. This variant is not present in population databases (ExAC no frequency). This variant has not been reported in the literature in individuals with FRMD7-related conditions. Algorithms developed to predict the effect of missense changes on protein structure and function (SIFT, PolyPhen-2, Align-GVGD) all suggest that this variant is likely to be tolerated, but these predictions have not been confirmed by published functional studies and their clinical significance is uncertain. In summary, the available evidence is currently insufficient to determine the role of this variant in disease. Therefore, it has been classified as a Variant of Uncertain Significance.